The following is an entry in ClinVar:

ClinVar aggregate classification (germline): Conflicting classifications of pathogenicity. Review status: criteria provided, conflicting classifications (1 of 4 stars). 4 submissions from 4 submitters: Uncertain significance (2); Likely benign (2). Last evaluated 2026-05-27.

Conditions:
MGME1-related disorder. Also called: MGME1-related condition.

Allele frequency attached by ClinVar (database versions not stated): gnomAD exomes 0.00007; ExAC 0.00021; 1000 Genomes Project 30x 0.00031; 1000 Genomes Project 0.00040; gnomAD 0.00094; TOPMed 0.00108; ESP Exome Variant Server 0.00123.
gnomAD v4.1: 251 of 1,614,056 alleles (0.016%); highest among the groups gnomAD compares: African/African-American, 0.31%; no homozygotes.

Submissions (4):

GeneDx
Classification: Uncertain significance. Last evaluated: 2026-05-27. Review status: criteria provided, single submitter. Criteria: GeneDx Variant Classification Process June 2021. Collection method: clinical testing. Allele origin: germline.
Comment: In silico analysis supports that this missense variant has a deleterious effect on protein structure/function; Has not been previously published as pathogenic or benign to our knowledge

Labcorp Genetics (formerly Invitae), Labcorp
Classification: Likely benign. Last evaluated: 2026-01-12. Review status: criteria provided, single submitter. Criteria: Invitae Variant Classification Sherloc (09022015). Collection method: clinical testing. Allele origin: germline.

Blueprint Genetics
Classification: Uncertain significance. Last evaluated: 2024-11-14. Review status: criteria provided, single submitter. Criteria: ACMG Guidelines, 2015. Collection method: clinical testing. Allele origin: germline.

PreventionGenetics, part of Exact Sciences
Classification: Likely benign for MGME1-related condition. Last evaluated: 2024-10-14. Review status: criteria provided, single submitter. Criteria: ACMG Guidelines, 2015. Collection method: clinical testing. Allele origin: germline.
Comment: This variant is classified as likely benign based on ACMG/AMP sequence variant interpretation guidelines (Richards et al. 2015 PMID: 25741868, with internal and published modifications).

NM_052865.4(MGME1):c.842A>G (p.His281Arg)

Gene: MGME1 (mitochondrial genome maintenance exonuclease 1; plus strand). Cytogenetic location: 20p11.23.
Variant type: single nucleotide variant.
Coding change: c.842A>G on transcript NM_052865.4 (MANE Select); coding-DNA position 842, A replaced by G.
Protein change: p.His281Arg; replaces histidine 281 with arginine.
Molecular consequence: missense variant. On other transcripts: intron variant (1).
Genome position (GRCh38, 1-based): chr20:17,988,276, A>G. VCF-style: chr20-17988276-A-G. GRCh37 (hg19) VCF-style: chr20-17968919-A-G.
Other names: c.887A>G, p.His296Arg (NM_001310338.2); c.602A>G, p.His201Arg (NM_001363738.2); c.512-1663A>G (NM_001310339.2); c.842A>G (NM_052865.2, NM_052865.3); short protein forms H201R, H281R, H296R.
Identifiers: ClinVar variation 2061446 (VCV002061446.8), dbSNP rs143218981, ClinGen allele CA9775048.